The following is an entry in ClinVar:

NM_020738.4(KIDINS220):c.3232G>A (p.Ala1078Thr)

Gene: KIDINS220 (kinase D interacting substrate 220; minus strand). Cytogenetic location: 2p25.1.
Variant type: single nucleotide variant.
Coding change: c.3232G>A on transcript NM_020738.4 (MANE Select); coding-DNA position 3232, G replaced by A.
Protein change: p.Ala1078Thr; replaces alanine 1078 with threonine.
Molecular consequence: missense variant. On other transcripts: non-coding transcript variant (2).
Genome position (GRCh38, 1-based): chr2:8,750,294, C>T on the plus strand (G>A on the coding strand, the complement: KIDINS220 is on the minus strand). VCF-style: chr2-8750294-C-T. GRCh37 (hg19) VCF-style: chr2-8890424-C-T.
Other names: c.3232G>A (NM_020738.2); c.3235G>A, p.Ala1079Thr (NM_001348729.2, NM_001348731.2, NM_001348734.2 and 2 more transcripts); c.3232G>A, p.Ala1078Thr (NM_001348732.2, NM_001348735.2, NM_001348738.2 and 3 more transcripts); c.3106G>A, p.Ala1036Thr (NM_001348736.2); short protein forms A1036T, A1079T, A1078T.
Identifiers: ClinVar variation 1988265 (VCV001988265.5), dbSNP rs201090003, ClinGen allele CA1519729.

ClinVar aggregate classification (germline): Uncertain significance. Review status: criteria provided, multiple submitters, no conflicts (2 of 4 stars). 2 submissions from 2 submitters: Uncertain significance (2). Last evaluated 2025-12-28.

Conditions:
KIDINS220-related disorder. Also called: KIDINS220-related condition.

Allele frequency attached by ClinVar (database versions not stated): gnomAD 0.00001; gnomAD exomes 0.00001; TOPMed 0.00001; ExAC 0.00003.
gnomAD v4.1: 19 of 1,612,088 alleles (0.0012%); highest among the groups gnomAD compares: Middle Eastern, 0.034%; no homozygotes.

Submissions (2):

PreventionGenetics, part of Exact Sciences
Classification: Uncertain significance for KIDINS220-related condition. Last evaluated: 2025-12-28. Review status: criteria provided, single submitter. Criteria: ACMG Guidelines, 2015. Collection method: clinical testing. Allele origin: germline.
Comment: The KIDINS220 c.3232G>A variant is predicted to result in the amino acid substitution p.Ala1078Thr. To our knowledge, this variant has not been reported in the literature. This variant is reported in 0.0045% of alleles in individuals of European (Non-Finnish) descent in gnomAD. At this time, the clinical significance of this variant is uncertain due to the absence of conclusive functional and genetic evidence.

Labcorp Genetics (formerly Invitae), Labcorp
Classification: Uncertain significance. Last evaluated: 2022-09-02. Review status: criteria provided, single submitter. Criteria: Invitae Variant Classification Sherloc (09022015). Collection method: clinical testing. Allele origin: germline.
Comment: In summary, the available evidence is currently insufficient to determine the role of this variant in disease. Therefore, it has been classified as a Variant of Uncertain Significance. Algorithms developed to predict the effect of missense changes on protein structure and function (SIFT, PolyPhen-2, Align-GVGD) all suggest that this variant is likely to be tolerated. This variant has not been reported in the literature in individuals affected with KIDINS220-related conditions. This variant is present in population databases (rs201090003, gnomAD 0.003%). This sequence change replaces alanine, which is neutral and non-polar, with threonine, which is neutral and polar, at codon 1078 of the KIDINS220 protein (p.Ala1078Thr).